The following is an entry in ClinVar:

ClinVar aggregate classification (germline): Uncertain significance (1 of 4 stars; one submission).

Conditions:
Anauxetic dysplasia. Identifiers: Orphanet 93347, MedGen C1846796, MONDO:0011773.

gnomAD v4.1: 6 of 700,170 alleles (0.00086%); highest among the groups gnomAD compares: Non-Finnish European, 0.0013%; no homozygotes.

Submission:

Labcorp Genetics (formerly Invitae), Labcorp
Classification: Uncertain significance for Anauxetic dysplasia. Last evaluated: 2021-09-01. Review status: criteria provided, single submitter. Criteria: Invitae Variant Classification Sherloc (09022015). Collection method: clinical testing. Allele origin: germline.
Comment: This variant occurs in the RMRP gene, which encodes an RNA molecule that does not result in a protein product. The frequency data for this variant in the population databases is considered unreliable, as metrics indicate insufficient coverage at this position in the ExAC database. This variant has not been reported in the literature in individuals affected with RMRP-related conditions. Experimental studies and prediction algorithms are not available or were not evaluated, and the functional significance of this variant is currently unknown. In summary, the available evidence is currently insufficient to determine the role of this variant in disease. Therefore, it has been classified as a Variant of Uncertain Significance.

NC_000009.12:g.35657963G>T

Gene: RMRP (RNA component of mitochondrial RNA processing endoribonuclease; minus strand). Cytogenetic location: 9p13.3.
Variant type: single nucleotide variant.
Genome position: GRCh38 VCF-style: chr9-35657963-G-T. GRCh37 (hg19) VCF-style: chr9-35657960-G-T.
Identifiers: ClinVar variation 855314 (VCV000855314.4), dbSNP rs999349961, ClinGen allele CA464450928.
Genomic context (GRCh38, chr9:35,657,963, plus strand): 5'-ACGTGCGTATGCACGTGGCACTCTCTGCCCGAGGTCCGGGGACTTTCCCCTAGGCGGAAA[G>T]GGGAGGAACAGAGTCCTCAGTGTGTAGCCTAGGATACAGGCCTTCAGCACGAACCACGTC-3'